The following is an entry in ClinVar:

ClinVar aggregate classification (germline): Conflicting classifications of pathogenicity. Review status: criteria provided, conflicting classifications (1 of 4 stars). 6 submissions from 6 submitters: Uncertain significance (1); Benign (2); Likely benign (2). 1 of the submissions does not count toward it. Last evaluated 2026-01-26.

Conditions:
Familial hypokalemia-hypomagnesemia (GTLMNS). Also called: HYPOMAGNESEMIA-HYPOKALEMIA, PRIMARY RENOTUBULAR, WITH HYPOCALCIURIA; POTASSIUM AND MAGNESIUM DEPLETION; gitelman syndrome. Identifiers: Orphanet 358, MedGen C0268450, MONDO:0009904, OMIM 263800.

Allele frequency attached by ClinVar (database versions not stated): 1000 Genomes Project 30x 0.00156; 1000 Genomes Project 0.00160; TOPMed 0.00244; ESP Exome Variant Server 0.00331; gnomAD 0.00420 and 0.00433; gnomAD exomes 0.00448 and 0.00471; ExAC 0.00469.
gnomAD v4.1: 7,435 of 1,613,566 alleles (0.46%); highest among the groups gnomAD compares: Non-Finnish European, 0.49%; 35 homozygotes.

Submissions (6):

Labcorp Genetics (formerly Invitae), Labcorp
Classification: Benign. Last evaluated: 2026-01-26. Review status: criteria provided, single submitter. Criteria: Invitae Variant Classification Sherloc (09022015). Collection method: clinical testing. Allele origin: germline.

CeGaT Center for Human Genetics Tuebingen
Classification: Likely benign. Last evaluated: 2025-07-01. Review status: criteria provided, single submitter. Criteria: CeGaT Center For Human Genetics Tuebingen Variant Classification Criteria Version 2. Collection method: clinical testing. Allele origin: germline. Affected: yes. Observed: 7 variant alleles.
Comment: SLC12A3: BP4, BS2

Genome-Nilou Lab
Classification: Benign for Familial hypokalemia-hypomagnesemia. Last evaluated: 2021-07-15. Review status: criteria provided, single submitter. Criteria: ACMG Guidelines, 2015. Collection method: clinical testing. Allele origin: germline. Affected: no.

Illumina Laboratory Services, Illumina
Classification: Uncertain significance for Familial hypokalemia-hypomagnesemia. Last evaluated: 2018-01-13. Review status: criteria provided, single submitter. Criteria: ICSL Variant Classification Criteria 13 December 2019. Collection method: clinical testing. Allele origin: germline.

PreventionGenetics, part of Exact Sciences
Classification: Likely benign. Review status: criteria provided, single submitter. Criteria: ACMG Guidelines, 2015. Collection method: clinical testing. Allele origin: germline.

Natera, Inc.
Classification: Benign for Gitelman syndrome. Last evaluated: 2020-04-27. Review status: no assertion criteria provided. Collection method: clinical testing. Allele origin: germline. Not counted in ClinVar's aggregate classification.

NM_001126108.2(SLC12A3):c.249G>T (p.Arg83=)

Gene: SLC12A3 (solute carrier family 12 member 3; plus strand). Cytogenetic location: 16q13.
Variant type: single nucleotide variant.
Coding change: c.249G>T on transcript NM_001126108.2 (MANE Select); coding-DNA position 249, G replaced by T.
Protein change: p.Arg83=; no amino-acid change (arginine 83 retained).
Molecular consequence: synonymous variant.
Genome position (GRCh38, 1-based): chr16:56,865,484, G>T. VCF-style: chr16-56865484-G-T. GRCh37 (hg19) VCF-style: chr16-56899396-G-T.
Other names: c.249G>T, p.Arg83= (NM_000339.3, NM_001126107.2).
Identifiers: ClinVar variation 255886 (VCV000255886.43), dbSNP rs76750525, ClinGen allele CA8068943.